The following continues an entry in ClinVar:

NM_004004.6(GJB2):c.35G>T (p.Gly12Val)

Gene: GJB2. ClinVar aggregate classification (germline): Pathogenic/Likely pathogenic. Pathogenic (17); Likely pathogenic (2).

Submissions 10 to 23 of 23:

INGEBI, INGEBI / CONICET
Classification: Pathogenic for Nonsyndromic hearing loss and deafness. Last evaluated: 2020-08-21. Review status: criteria provided, single submitter. Criteria: ClinGen HL ACMG Specifications v1. Collection method: clinical testing. Allele origin: germline. Inheritance: Autosomal recessive inheritance. Affected: yes. Observed: 2 variant alleles.
Comment: Based on ACMG/AMP guidelines and Hearing Loss Expert Panel specific criteria: the filtering allele frequency of c.35G>T, p.Gly12Val variant is 0,038% (20/34584) of Latino alleles and 0,009% in all populations from gnomAD v2.1.1 database meeting PM2_Supporting criteria. This variant has been found in trans with several pathogenic variants in at least 10 patients with non-syndromic hearing loss among different populations applying to PM3_VerySrong criteria (PMID: 10982180, 11556849, 12172394, 12666888, 19371219, 20233142, 26043044, 26409293, 24158611). Computational analysis predicted the p.Gly12Val change to be damaging to the protein (REVEL=0.95; PP3). Functional studies in HeLa demonstrated that p.Gly12Val mutant was not able to form functional channels since there was a significantly reduce of dye (LuciferYellow) transfer meeting PS3_Moderate rule (PMID:12176036). Therefore, the c.35G>T variant meets criteria to be classified as pathogenic for autosomal recessive non-syndromic hearing loss (PM2_Supporting, PM3_VeryStrong, PP3 and PS3_Moderate).

GeneDx
Classification: Pathogenic. Last evaluated: 2020-03-19. Review status: criteria provided, single submitter. Criteria: GeneDx Variant Classification Process June 2021. Collection method: clinical testing. Allele origin: germline. Affected: yes.
Comment: Common pathogenic variant in different population groups, predominantly reported in trans with the pathogenic c.35delG variant (Snoeckx et al., 2005); Published functional studies demonstrate this variant causes an intracellular trafficking defect with loss of intercellular transfer and transjunctional conductance (Garcia et al., 2005); Highly conserved residue in the intracellular amino-terminal domain, and variant is predicted to alter the flexibility of this region (Purnick et al., 2000); In silico analysis supports that this missense variant has a deleterious effect on protein structure/function; This variant is associated with the following publications: (PMID: 33096615, 30275481, 31160754, 16380907, 24158611, 25288386, 26043044, 26444186, 10982180, 11439000, 15365987, 19371219, 19887791, 19929407, 20083784, 20233142, 20668687, 21777984, 21962949, 26409293, 31370293, 25625422, 12176036, 11032405, 12172394, 17666888, 14691997, 11556849, 25388846)

ARUP Laboratories, Molecular Genetics and Genomics, ARUP Laboratories
Classification: Pathogenic. Last evaluated: 2020-03-11. Review status: criteria provided, single submitter. Criteria: ARUP Molecular Germline Variant Investigation Process. Collection method: clinical testing. Allele origin: germline.
Comment: The GJB2 c.35G>T; p.Gly12Val variant (rs1801002) is a frequently reported pathogenic variant in Hispanic populations (see Purnick 2000, Putcha 2007, Rabionet 2000, Wu 2002). It has been found in a compound heterozygous state with the c.35delG variant and functional studies indicate the p.Gly12Val variant alters GJB2 protein function (D'Andrea 2012). This variant is reported in ClinVar (Variation ID: 21387) and is found in the general population with an overall allele frequency of 0.009% (21/244174 alleles) in the Genome Aggregation Database. Based on available information, we consider this variant to be pathogenic. REFERENCES D'Andrea P et al. Hearing loss: frequency and functional studies of the most common connexin26 alleles. Biochem Biophys Res Commun. 2002 Aug 23;296(3):685-91. Purnick PE et al. Structure of the amino terminus of a gap junction protein. Arch Biochem Biophys. 2000 Sep 15;381(2):181-90. Putcha GV et al. A multicenter study of the frequency and distribution of GJB2 and GJB6 mutations in a large North American cohort. Genet Med. 2007 Jul;9(7):413-26. Rabionet R et al. Molecular basis of childhood deafness resulting from mutations in the GJB2 (connexin 26) gene. Hum Genet. 2000 Jan;106(1):40-4. Wu BL et al. Effectiveness of sequencing connexin 26 (GJB2) in cases of familial or sporadic childhood deafness referred for molecular diagnostic testing. Genet Med. 2002 Jul-Aug;4(4):279-88.

New York Genome Center
Classification: Pathogenic for Autosomal recessive nonsyndromic hearing loss 1A. Last evaluated: 2019-09-26. Review status: criteria provided, single submitter. Criteria: NYGC Assertion Criteria 2020. Collection method: clinical testing. Allele origin: germline. Inheritance: Autosomal recessive inheritance. Affected: no. Observed: 1 heterozygote. Study: CSER-NYCKidSeq.

Athena Diagnostics
Classification: Pathogenic. Last evaluated: 2017-12-15. Review status: criteria provided, single submitter. Criteria: Athena Diagnostics Criteria. Collection method: clinical testing. Allele origin: germline.

Women's Health and Genetics/Laboratory Corporation of America, LabCorp
Classification: Pathogenic for Autosomal recessive nonsyndromic hearing loss 1A. Last evaluated: 2016-06-03. Review status: criteria provided, single submitter. Criteria: LabCorp Variant Classification Summary - May 2015. Collection method: clinical testing. Allele origin: germline.
Comment: Variant summary: The GJB2 c.35G>T (p.Gly12Val) variant involves the alteration of a conserved nucleotide. Gly12 lies in an intracellular domain 1 (IC1) and is a known hot spot codon for recurrent disease-causing mutations. Multiple disease-causing variants are found on this codon: c.35delG (the most common DV), c.35dupG, G12R, G12D, and G12C. 5/5 in silico tools predict a damaging outcome for this variant. This variant was found in 6/119884 control chromosomes at a frequency of 0.00005, which does not exceed the estimated maximal expected allele frequency of a pathogenic GJB2 variant (0.025). This variant has been reported in several nonsyndromic hearing loss patients in the literature in either homozygous or compound homozygous state with other pathogenic variants which is consistent with pathogenic role in recessive module. In addition, according to an in vitro study (DAndrea_2002), Gly12Val substitution causes complete intracellular retention of the connexin and accumulates in large perinuclear vesicles. This dysfunction is accompanied by a significant decrease in its expression, suggesting that G12 is required for the maturation of connexin. Multiple laboratories via ClinVar also classify the variant as pathogenic/likely pathogenic. Considering all evidences, the variant has been classified as pathogenic.

Eurofins Ntd Llc (ga)
Classification: Pathogenic. Last evaluated: 2013-11-05. Review status: criteria provided, single submitter. Criteria: EGL Classification Definitions. Collection method: clinical testing. Allele origin: germline. Observed: 2 variant alleles, 2 heterozygotes.

Genetic Services Laboratory, University of Chicago
Classification: Pathogenic for Hearing impairment. Last evaluated: 2013-02-08. Review status: criteria provided, single submitter. Criteria: ACMG Guidelines, 2007. Collection method: clinical testing. Allele origin: germline. Inheritance: Autosomal recessive inheritance. Affected: yes.

Laboratory for Molecular Medicine, Mass General Brigham Personalized Medicine
Classification: Likely pathogenic for Rare genetic deafness. Last evaluated: 2012-05-25. Review status: criteria provided, single submitter. Criteria: LMM Criteria. Collection method: clinical testing. Allele origin: germline. Inheritance: Autosomal recessive inheritance. Observed: 2 variant alleles.
Comment: The Gly12Val variant in GJB2 has been reported in 4 individuals with hearing los s (Kenna 2001, D'Andrea P 2002, Kenna 2010, Rabionet 2000, Snoeckx 2005). At lea st two of these individuals were compound heterozygous. In addition, functional studies suggest that the Gly12Val variant may impact protein function (D'Andrea P 2002). In summary, this data suggests that this variant is likely pathogenic.

Juno Genomics, Hangzhou Juno Genomics, Inc
Classification: Pathogenic for Autosomal recessive nonsyndromic hearing loss 1A. Review status: criteria provided, single submitter. Criteria: ACMG Guidelines, 2015. Collection method: clinical testing. Allele origin: germline.
Comment: Absent from controls (or at extremely low frequency if recessive) in Genome Aggregation Database.;Multiple lines of computational evidence support a deleterious effect on the gene or gene product.;For recessive disorders, detected in trans with a pathogenic variant.

PreventionGenetics, part of Exact Sciences
Classification: Pathogenic for GJB2-related condition. Last evaluated: 2024-06-14. Review status: no assertion criteria provided. Collection method: clinical testing. Allele origin: germline. Not counted in ClinVar's aggregate classification.
Comment: The GJB2 c.35G>T variant is predicted to result in the amino acid substitution p.Gly12Val. This variant has been reported in both the compound heterozygous and homozygous state in individuals with non-syndromic hearing loss (Rabionet et al. 2000. PubMed ID: 10982180; Buonfiglio et al. 2020. PubMed ID: 33096615; Figueroa-Ildefonso et al. 2019. PubMed ID: 31370293). A different missense change impacting the same amino acid (c.34G>T, p.Gly12Cys) has been reported in individuals with hearing loss (Internal Data, PreventionGenetics). In vitro functional studies demonstrate reduced protein expression and also showed cellular localization is entirely intracellular (D'Andrea et al. 2002. PubMed ID: 12176036).This variant is reported in 0.058% of alleles in individuals of Latino descent in gnomAD. This variant is interpreted as pathogenic.

Counsyl
Classification: Likely pathogenic for Autosomal recessive nonsyndromic hearing loss 1A. Last evaluated: 2016-09-09. Review status: no assertion criteria provided. Collection method: clinical testing. Allele origin: unknown. Not counted in ClinVar's aggregate classification.

Counsyl
Classification: Likely pathogenic for Autosomal dominant nonsyndromic hearing loss 3A. Last evaluated: 2016-09-09. Review status: no assertion criteria provided. Collection method: clinical testing. Allele origin: unknown. Not counted in ClinVar's aggregate classification.

GeneReviews
No classification provided. Condition: Autosomal recessive nonsyndromic hearing loss 1A. Review status: no classification provided. Collection method: literature only. Allele origin: unknown. Not counted in ClinVar's aggregate classification.

Literature cited by the submitters: PubMed 10982180 (cited by 7 submitters); PubMed 19371219 (cited by 5 submitters); PubMed 24158611 (cited by 6 submitters); PubMed 25288386 (cited by 5 submitters); PubMed 11032405 (cited by 3 submitters); PubMed 12176036 (cited by 8 submitters); PubMed 25625422 (cited by 5 submitters); PubMed 31370293 (cited by Natera, Inc. and Variantyx, Inc.); PubMed 28428247 (cited by Victorian Clinical Genetics Services, Murdoch Childrens Research Institute); PubMed 29311818 (cited by Victorian Clinical Genetics Services, Murdoch Childrens Research Institute); PubMed 31160754 (cited by Victorian Clinical Genetics Services, Murdoch Childrens Research Institute); PubMed 12792423 (cited by Victorian Clinical Genetics Services, Murdoch Childrens Research Institute); PubMed 20301449 (cited by Dasa and GeneReviews); PubMed 17666888 (cited by 3 submitters); PubMed 11556849 (cited by 4 submitters); PubMed 12172394 (cited by 3 submitters); PubMed 12666888 (cited by INGEBI, INGEBI / CONICET); PubMed 20233142 (cited by INGEBI, INGEBI / CONICET and Athena Diagnostics); PubMed 26043044 (cited by 3 submitters); PubMed 6409293 (cited by INGEBI, INGEBI / CONICET); PubMed 16380907 (cited by 4 submitters); PubMed 21777984 (cited by Athena Diagnostics and Counsyl); PubMed 19929407 (cited by Athena Diagnostics and Counsyl); PubMed 15365987 (cited by Athena Diagnostics and Counsyl); PubMed 20668687 (cited by Athena Diagnostics); PubMed 21962949 (cited by Athena Diagnostics and Women's Health and Genetics/Laboratory Corporation of America, LabCorp); PubMed 19887791 (cited by Athena Diagnostics); PubMed 26409293 (cited by Athena Diagnostics); PubMed 14691997 (cited by Athena Diagnostics); PubMed 26444186 (cited by Athena Diagnostics); PubMed 11439000 (cited by Women's Health and Genetics/Laboratory Corporation of America, LabCorp); PubMed 20083784 (cited by Laboratory for Molecular Medicine, Mass General Brigham Personalized Medicine); NCBI Bookshelf NBK1272 (cited by GeneReviews).